The following is an entry in ClinVar:

NM_001114753.3(ENG):c.1134+1G>C

Gene: ENG (endoglin; minus strand). Cytogenetic location: 9q34.11.
Variant type: single nucleotide variant.
Coding change: c.1134+1G>C on transcript NM_001114753.3 (MANE Select); the canonical splice donor site of the intron after coding-DNA position 1134, G replaced by C.
Molecular consequence: splice donor variant. On other transcripts: missense variant (1).
Genome position (GRCh38, 1-based): chr9:127,824,303, C>G on the plus strand (G>C on the coding strand, the complement: ENG is on the minus strand). VCF-style: chr9-127824303-C-G. GRCh37 (hg19) VCF-style: chr9-130586582-C-G.
Other names: c.1135G>C, p.Val379Leu (NM_001406715.1); c.1134+1G>C (NM_000118.4); c.588+1G>C (NM_001278138.2); short protein forms V379L.
Identifiers: ClinVar variation 3344870 (VCV003344870.3).

ClinVar aggregate classification (germline): Pathogenic. Review status: criteria provided, single submitter (1 of 4 stars). 2 submissions from 2 submitters: Pathogenic (1). 1 of the submissions does not count toward it. Last evaluated 2024-03-21.

Conditions:
ENG-related disorder. Also called: ENG-related condition; ENG-related disorders.
Hereditary hemorrhagic telangiectasia (HHT). Also called: ORW DISEASE; Osler Weber Rendu syndrome; OSLER-RENDU-WEBER DISEASE; Osler hemorrhagic telangiectasia syndrome. Identifiers: Orphanet 774, MedGen C0039445, MONDO:0019180. Disease mechanism: loss of function.

Submissions (2):

Labcorp Genetics (formerly Invitae), Labcorp
Classification: Pathogenic for Hereditary hemorrhagic telangiectasia. Last evaluated: 2024-03-21. Review status: criteria provided, single submitter. Criteria: Invitae Variant Classification Sherloc (09022015). Collection method: clinical testing. Allele origin: germline.
Comment: This sequence change affects a donor splice site in intron 8 of the ENG gene. RNA analysis indicates that disruption of this splice site induces altered splicing and likely results in the loss of 8 amino acid residue(s), but is expected to preserve the integrity of the reading-frame. This variant is not present in population databases (gnomAD no frequency). Disruption of this splice site has been observed in individuals with hereditary hemorrhagic telangiectasia (PMID: 9245986). It has also been observed to segregate with disease in related individuals. Studies have shown that disruption of this splice site results in the activation of a cryptic splice site in exon 8 (PMID: 9245986). For these reasons, this variant has been classified as Pathogenic.

PreventionGenetics, part of Exact Sciences
Classification: Pathogenic for ENG-related condition. Last evaluated: 2024-09-03. Review status: no assertion criteria provided. Collection method: clinical testing. Allele origin: germline. Not counted in ClinVar's aggregate classification.
Comment: The ENG c.1134+1G>C variant is predicted to disrupt the GT donor site and interfere with normal splicing. This variant is predicted to alter splicing based on available splicing prediction programs (SpliceAI, Jaganathan et al. 2019. PubMed ID: 30661751). This variant has been reported in individuals with hereditary hemorrhagic telangiectasia (Family 35, Abdalla et al. 2005. PubMed ID: 15712271; Kitayama et al. 2021. PubMed ID: 34872578). Other variants that alter splicing of c.1134 have also been reported in individuals with HHT [c.1134G>A (p.=), Letteboer et al. 2005. PubMed ID: 15517393; c.1134+1G>A, Families F and N, Shovlin et al. 1997. PubMed ID: 9245986]. The c.1134+1G>C variant has not been reported in a large population database, indicating this variant is rare. Variants that disrupt the consensus splice donor site in ENG are expected to be pathogenic. This variant is interpreted as pathogenic.

Literature cited by the submitters: PubMed 9245986 (cited by Labcorp Genetics (formerly Invitae), Labcorp).